The following is an entry in ClinVar:

NC_012920.1(MT-CO3):m.9952G>A

Gene: MT-CO3 (mitochondrially encoded cytochrome c oxidase III; plus strand).
Variant type: single nucleotide variant.
Genome position: chrM-9952-G-A.
Identifiers: ClinVar variation 9655 (VCV000009655.2), dbSNP rs267606613, ClinGen allele CA120601.

ClinVar aggregate classification (germline): Likely pathogenic. Review status: reviewed by expert panel (3 of 4 stars). 2 submissions from 2 submitters: Likely pathogenic (1). 1 of the submissions does not count toward it. Last evaluated 2024-02-26.

Conditions:
Mitochondrial disease. Also called: Mitochondrial disorder; Mitochondrial disorders. Identifiers: Orphanet 68380, MedGen C0751651, MeSH D028361, MONDO:0044970.
Mitochondrial complex IV deficiency, nuclear type 1 (MC4DN1). Also called: COX DEFICIENCY; Mitochondrial complex IV deficiency; Complex 4 mitochondrial respiratory chain deficiency; Deficiency of mitochondrial respiratory chain complex4; Complex IV deficiency. Identifiers: MedGen C5435656, MONDO:0700250, OMIM 220110. Disease mechanism: loss of function.

Submissions (2):

ClinGen Mitochondrial Disease Nuclear and Mitochondrial  Variant Curation Expert Panel, ClinGen
Classification: Likely pathogenic for Mitochondrial disease. Last evaluated: 2024-02-26. Review status: reviewed by expert panel. Criteria: clingen mito disease acmg specifications v1-1. Collection method: curation. Allele origin: germline. Inheritance: Mitochondrial inheritance.
Comment: Muscle biopsy showed reduced COX activity and decreased complex IV activity. The variant was present at 57% heteroplasmy in muscle and was undetectable in blood and skin. This variant causes a premature stop in the MT-CO3 gene resulting in truncation of 5% of the protein (PVS1_moderate). This variant is absent in the MITOMAP GenBank dataset, gnomAD v3.1.2, and the Helix dataset (PM2_supporting). There are no in silico predictors for this type of variant in mitochondrial DNA. Single fiber testing showed higher levels of the variant in COX negative fibers (56.2%, n=24) than in COX positive fibers (10.1%, n=21), p<0.0002 (PS3_supporting, PMID: 9634511). In summary, this variant meets criteria to be classified as likely pathogenic for primary mitochondrial disease inherited in a mitochondrial manner. This classification was approved by the NICHD/NINDS U24 ClinGen Mitochondrial Disease Variant Curation Expert Panel on February 26, 2024. Mitochondrial DNA-specific ACMG/AMP criteria applied (PMID: 32906214): PM6, PVS1_moderate, PM2_supporting, PS3_supporting.

OMIM
Classification: Pathogenic for MITOCHONDRIAL COMPLEX IV DEFICIENCY. Last evaluated: 1998-07-01. Review status: no assertion criteria provided. Collection method: literature only. Allele origin: germline. Not counted in ClinVar's aggregate classification.

Literature cited by the submitters: PubMed 9634511 (cited by OMIM).